The following is an entry in ClinVar:

ClinVar aggregate classification (germline): Conflicting classifications of pathogenicity. Review status: criteria provided, conflicting classifications (1 of 4 stars). 4 submissions from 4 submitters: Uncertain significance (3); Likely benign (1). Last evaluated 2025-07-16.

Conditions:
Cardiovascular phenotype. Identifiers: MedGen CN230736.
Ehlers-Danlos syndrome (EDS). Identifiers: Orphanet 98249, MedGen C0013720, MONDO:0020066.

Allele frequency attached by ClinVar (database versions not stated): ExAC 0.00001; gnomAD 0.00001 and 0.00002; gnomAD exomes 0.00001; TOPMed 0.00003.
gnomAD v4.1: 40 of 1,606,522 alleles (0.0025%); highest among the groups gnomAD compares: African/African-American, 0.004%; no homozygotes.

Submissions (4):

Women's Health and Genetics/Laboratory Corporation of America, LabCorp
Classification: Uncertain significance. Last evaluated: 2025-07-16. Review status: criteria provided, single submitter. Criteria: LabCorp Variant Classification Summary - May 2015. Collection method: clinical testing. Allele origin: germline.
Comment: Variant summary: TNXB c.10493G>A (p.Arg3498His) results in a non-conservative amino acid change in the encoded protein sequence. Algorithms developed to predict the effect of missense changes on protein structure and function are either unavailable or do not agree on the potential impact of this missense change. The variant allele was found at a frequency of 1.2e-05 in 243966 control chromosomes. The available data on variant occurrences in the general population are insufficient to allow any conclusion about variant significance. To our knowledge, no occurrence of c.10493G>A in individuals affected with Ehlers-Danlos syndrome due to tenascin-X deficiency and no experimental evidence demonstrating its impact on protein function have been reported. ClinVar contains an entry for this variant (Variation ID: 1311769). Based on the evidence outlined above, the variant was classified as uncertain significance.

Ambry Genetics
Classification: Likely benign for Cardiovascular phenotype. Last evaluated: 2023-10-15. Review status: criteria provided, single submitter. Criteria: Ambry Variant Classification Scheme 2023. Collection method: clinical testing. Allele origin: germline.

GeneDx
Classification: Uncertain significance. Last evaluated: 2020-01-08. Review status: criteria provided, single submitter. Criteria: GeneDx Variant Classification Process June 2021. Collection method: clinical testing. Allele origin: germline. Affected: yes.
Comment: Has not been previously published as pathogenic or benign to our knowledge; Not observed at a significant frequency in large population cohorts (Lek et al., 2016); In silico analysis, which includes protein predictors and evolutionary conservation, supports that this variant does not alter protein structure/function

Genome Diagnostics Laboratory, The Hospital for Sick Children
Classification: Uncertain significance for Ehlers-Danlos syndrome. Last evaluated: 2019-05-01. Review status: criteria provided, single submitter. Criteria: ACMG Guidelines, 2015. Collection method: clinical testing. Allele origin: germline.

NM_001365276.2(TNXB):c.10499G>A (p.Arg3500His)

Gene: TNXB (tenascin XB; minus strand). Cytogenetic location: 6p21.33.
Variant type: single nucleotide variant.
Coding change: c.10499G>A on transcript NM_001365276.2 (MANE Select); coding-DNA position 10499, G replaced by A.
Protein change: p.Arg3500His; replaces arginine 3500 with histidine.
Molecular consequence: missense variant.
Genome position (GRCh38, 1-based): chr6:32,046,282, C>T on the plus strand (G>A on the coding strand, the complement: TNXB is on the minus strand). VCF-style: chr6-32046282-C-T. GRCh37 (hg19) VCF-style: chr6-32014059-C-T.
Other names: c.10493G>A, p.Arg3498His (NM_019105.8); short protein forms R3498H, R3500H.
Identifiers: ClinVar variation 1311769 (VCV001311769.7), dbSNP rs767560143, ClinGen allele CA3733208.